The following is an entry in ClinVar:

ClinVar aggregate classification (germline): Likely pathogenic (1 of 4 stars; one submission).

Conditions:
Dilated cardiomyopathy 1G (CMD1G). Identifiers: Orphanet 154, MedGen C1858763, MONDO:0011400, OMIM 604145.
Autosomal recessive limb-girdle muscular dystrophy type 2J (LGMDR10). Also called: Limb-girdle muscular dystrophy, type 2J; MUSCULAR DYSTROPHY, LIMB-GIRDLE, AUTOSOMAL RECESSIVE 10. Identifiers: Orphanet 140922, MedGen C1837342, MONDO:0012127, OMIM 608807.

Allele frequency attached by ClinVar (database versions not stated): gnomAD 0.00001.
gnomAD v4.1: 1 of 1,610,536 alleles (0.000062%); highest among the groups gnomAD compares: Non-Finnish European, 0.000085%; no homozygotes.

Submission:

Labcorp Genetics (formerly Invitae), Labcorp
Classification: Likely pathogenic for Dilated cardiomyopathy 1G; Autosomal recessive limb-girdle muscular dystrophy type 2J. Last evaluated: 2022-07-19. Review status: criteria provided, single submitter. Criteria: Invitae Variant Classification Sherloc (09022015). Collection method: clinical testing. Allele origin: germline.
Comment: This variant is not present in population databases (gnomAD no frequency). This sequence change creates a premature translational stop signal (p.Gln18434*) in the TTN gene. While this is not anticipated to result in nonsense mediated decay, it is expected to create a truncated TTN protein. This variant has not been reported in the literature in individuals affected with TTN-related conditions. In summary, the currently available evidence indicates that the variant is pathogenic, but additional data are needed to prove that conclusively. Therefore, this variant has been classified as Likely Pathogenic. This variant is located in the A band of TTN (PMID: 25589632). Truncating variants in this region are significantly overrepresented in patients affected with dilated cardiomyopathy (PMID: 25589632). Truncating variants in this region have also been reported in individuals affected with autosomal recessive centronuclear myopathy (PMID: 23975875). ClinVar contains an entry for this variant (Variation ID: 1492298).

Literature cited by the submitters: PubMed 25589632; PubMed 23975875.

NM_001267550.2(TTN):c.55300C>T (p.Gln18434Ter)

Genes: TTN (titin; minus strand), TTN-AS1 (TTN antisense RNA 1; plus strand). Cytogenetic location: 2q31.2.
Variant type: single nucleotide variant.
Coding change: c.55300C>T on transcript NM_001267550.2 (MANE Select); coding-DNA position 55300, C replaced by T.
Protein change: p.Gln18434Ter; replaces glutamine 18434 with a stop codon.
Molecular consequence: nonsense.
Genome position (GRCh38, 1-based): chr2:178,601,884, G>A on the plus strand (C>T on the coding strand, the complement: TTN is on the minus strand). VCF-style: chr2-178601884-G-A. GRCh37 (hg19) VCF-style: chr2-179466611-G-A.
Other names: c.50377C>T, p.Gln16793Ter (NM_001256850.1); c.28105C>T, p.Gln9369Ter (NM_003319.4); c.47596C>T, p.Gln15866Ter (NM_133378.4); c.28480C>T, p.Gln9494Ter (NM_133432.3); c.28681C>T, p.Gln9561Ter (NM_133437.4); short protein forms Q9369*, Q16793*, Q9494*, Q9561*, Q15866*, Q18434*.
Identifiers: ClinVar variation 1492298 (VCV001492298.6), dbSNP rs1284529298, ClinGen allele CA349542643.